The following is an entry in ClinVar:

ClinVar aggregate classification (germline): Benign/Likely benign. Review status: criteria provided, multiple submitters, no conflicts (2 of 4 stars). 4 submissions from 4 submitters: Benign (1); Likely benign (2). 1 of the submissions does not count toward it. Last evaluated 2025-10-04.

Conditions:
LRRK2-related disorder. Also called: LRRK2-related condition.
Autosomal dominant Parkinson disease 8. Also called: Parkinson disease 8, susceptibility to; LRRK2-Related Parkinson Disease; Parkinson disease 8. Identifiers: Orphanet 411602, MedGen C1846862, MONDO:0011764, OMIM 607060.
Inborn genetic diseases. Identifiers: MedGen C0950123, MeSH D030342.

Allele frequency attached by ClinVar (database versions not stated): ExAC 0.00035; gnomAD exomes 0.00045; gnomAD 0.00063 and 0.00066; ESP Exome Variant Server 0.00069; TOPMed 0.00071; 1000 Genomes Project 30x 0.00078; 1000 Genomes Project 0.00080.
gnomAD v4.1: 624 of 1,613,882 alleles (0.039%); highest among the groups gnomAD compares: Admixed American, 0.22%; 1 homozygote.

Submissions (4):

Labcorp Genetics (formerly Invitae), Labcorp
Classification: Benign for Autosomal dominant Parkinson disease 8. Last evaluated: 2025-10-04. Review status: criteria provided, single submitter. Criteria: Invitae Variant Classification Sherloc (09022015). Collection method: clinical testing. Allele origin: germline.

Blueprint Genetics
Classification: Likely benign. Last evaluated: 2024-10-15. Review status: criteria provided, single submitter. Criteria: ACMG Guidelines, 2015. Collection method: clinical testing. Allele origin: germline.

Ambry Genetics
Classification: Likely benign for Inborn genetic diseases. Last evaluated: 2022-02-12. Review status: criteria provided, single submitter. Criteria: Ambry Variant Classification Scheme 2023. Collection method: clinical testing. Allele origin: germline.

PreventionGenetics, part of Exact Sciences
Classification: Likely benign for LRRK2-related condition. Last evaluated: 2024-06-17. Review status: no assertion criteria provided. Collection method: clinical testing. Allele origin: germline. Not counted in ClinVar's aggregate classification.
Comment: This variant is classified as likely benign based on ACMG/AMP sequence variant interpretation guidelines (Richards et al. 2015 PMID: 25741868, with internal and published modifications).

NM_198578.4(LRRK2):c.2322G>A (p.Ala774=)

Gene: LRRK2 (leucine rich repeat kinase 2; plus strand). Cytogenetic location: 12q12.
Variant type: single nucleotide variant.
Coding change: c.2322G>A on transcript NM_198578.4 (MANE Select); coding-DNA position 2322, G replaced by A.
Protein change: p.Ala774=; no amino-acid change (alanine 774 retained).
Molecular consequence: synonymous variant.
Genome position (GRCh38, 1-based): chr12:40,283,955, G>A. VCF-style: chr12-40283955-G-A. GRCh37 (hg19) VCF-style: chr12-40677757-G-A.
Identifiers: ClinVar variation 707538 (VCV000707538.15), dbSNP rs146103273, ClinGen allele CA6513616.